The following is an entry in ClinVar:

ClinVar aggregate classification (germline): Uncertain significance (1 of 4 stars; one submission).

gnomAD v4.1: 2 of 1,613,410 alleles (0.00012%); highest among the groups gnomAD compares: Non-Finnish European, 0.00017%; no homozygotes.

Submission:

Labcorp Genetics (formerly Invitae), Labcorp
Classification: Uncertain significance. Last evaluated: 2021-11-04. Review status: criteria provided, single submitter. Criteria: Invitae Variant Classification Sherloc (09022015). Collection method: clinical testing. Allele origin: germline.
Comment: In summary, the available evidence is currently insufficient to determine the role of this variant in disease. Therefore, it has been classified as a Variant of Uncertain Significance. Algorithms developed to predict the effect of missense changes on protein structure and function are either unavailable or do not agree on the potential impact of this missense change (SIFT: "Deleterious"; PolyPhen-2: "Benign"; Align-GVGD: "Class C0"). This variant has not been reported in the literature in individuals affected with PRDM5-related conditions. This variant is not present in population databases (gnomAD no frequency). This sequence change replaces serine, which is neutral and polar, with arginine, which is basic and polar, at codon 500 of the PRDM5 protein (p.Ser500Arg).

NM_018699.4(PRDM5):c.1500C>A (p.Ser500Arg)

Gene: PRDM5 (PR/SET domain 5; minus strand). Cytogenetic location: 4q27.
Variant type: single nucleotide variant.
Coding change: c.1500C>A on transcript NM_018699.4 (MANE Select); coding-DNA position 1500, C replaced by A.
Protein change: p.Ser500Arg; replaces serine 500 with arginine.
Molecular consequence: missense variant.
Genome position (GRCh38, 1-based): chr4:120,777,225, G>T on the plus strand (C>A on the coding strand, the complement: PRDM5 is on the minus strand). VCF-style: chr4-120777225-G-T. GRCh37 (hg19) VCF-style: chr4-121698380-G-T.
Other names: c.1407C>A, p.Ser469Arg (NM_001300823.2, NM_001300824.2, NM_001379106.1); c.1533C>A, p.Ser511Arg (NM_001379104.1); short protein forms S500R, S469R, S511R.
Identifiers: ClinVar variation 1466770 (VCV001466770.6), dbSNP rs2149226872, ClinGen allele CA358208365.